The following is an entry in ClinVar:

NM_001048174.2(MUTYH):c.346A>T (p.Thr116Ser)

Gene: MUTYH (mutY DNA glycosylase; minus strand). Cytogenetic location: 1p34.1.
Variant type: single nucleotide variant.
Coding change: c.346A>T on transcript NM_001048174.2 (MANE Select); coding-DNA position 346, A replaced by T.
Protein change: p.Thr116Ser; replaces threonine 116 with serine.
Molecular consequence: missense variant. On other transcripts: non-coding transcript variant (6), intron variant (3).
Genome position (GRCh38, 1-based): chr1:45,333,129, T>A on the plus strand (A>T on the coding strand, the complement: MUTYH is on the minus strand). VCF-style: chr1-45333129-T-A. GRCh37 (hg19) VCF-style: chr1-45798801-T-A.
Other names: c.346A>T, p.Thr116Ser (NM_001048171.2, NM_001048173.2, NM_001293195.2 and 6 more transcripts); c.349A>T, p.Thr117Ser (NM_001048172.2, NM_001407086.1, NM_001407071.1 and 2 more transcripts); c.430A>T, p.Thr144Ser (NM_001128425.2); c.391A>T, p.Thr131Ser (NM_001293190.2); c.379A>T, p.Thr127Ser (NM_001293191.2, NM_001407077.1); c.70A>T, p.Thr24Ser (NM_001293192.2, NM_001293196.2, NM_001407091.1); c.421A>T, p.Thr141Ser (NM_001407069.1, NM_012222.3); c.388A>T, p.Thr130Ser (NM_001407083.1, NM_001407085.1, NM_001407073.1); and 3 more; short protein forms T127S, T141S, T131S, T24S, T116S, T117S, T123S, T130S.
Identifiers: ClinVar variation 4113655 (VCV004113655.1).

ClinVar aggregate classification (germline): Uncertain significance (1 of 4 stars; one submission).

Conditions:
Hereditary cancer-predisposing syndrome. Also called: Hereditary neoplastic syndrome; Neoplastic Syndromes, Hereditary; Tumor predisposition; Hereditary Cancer Syndrome. Identifiers: Orphanet 140162, MedGen C0027672, MeSH D009386, MONDO:0015356.

gnomAD v4.1: 1 of 1,614,162 alleles (0.000062%); highest among the groups gnomAD compares: Middle Eastern, 0.016%; no homozygotes.

Submission:

Ambry Genetics
Classification: Uncertain significance for Hereditary cancer-predisposing syndrome. Last evaluated: 2025-08-27. Review status: criteria provided, single submitter. Criteria: Ambry Variant Classification Scheme 2023. Collection method: clinical testing. Allele origin: germline.
Comment: The p.T144S variant (also known as c.430A>T), located in coding exon 5 of the MUTYH gene, results from an A to T substitution at nucleotide position 430. The threonine at codon 144 is replaced by serine, an amino acid with similar properties. This amino acid position is conserved. In addition, the in silico prediction for this alteration is inconclusive. Based on the available evidence, the clinical significance of this variant remains unclear.